The following is an entry in ClinVar:

NM_014875.3(KIF14):c.3240A>T (p.Thr1080=)

Gene: KIF14 (kinesin family member 14; minus strand). Cytogenetic location: 1q32.1.
Variant type: single nucleotide variant.
Coding change: c.3240A>T on transcript NM_014875.3 (MANE Select); coding-DNA position 3240, A replaced by T.
Protein change: p.Thr1080=; no amino-acid change (threonine 1080 retained).
Molecular consequence: synonymous variant.
Genome position (GRCh38, 1-based): chr1:200,586,102, T>A on the plus strand (A>T on the coding strand, the complement: KIF14 is on the minus strand). VCF-style: chr1-200586102-T-A. GRCh37 (hg19) VCF-style: chr1-200555230-T-A.
Other names: c.1767A>T, p.Thr589= (NM_001305792.1).
Identifiers: ClinVar variation 2149489 (VCV002149489.1), dbSNP rs531287031, ClinGen allele CA1317326.

ClinVar aggregate classification (germline): Uncertain significance (1 of 4 stars; one submission).

Allele frequency attached by ClinVar (database versions not stated): gnomAD 0.00001; ExAC 0.00002; TOPMed 0.00002; 1000 Genomes Project 0.00020; 1000 Genomes Project 30x 0.00031.
gnomAD v4.1: 18 of 1,547,426 alleles (0.0012%); highest among the groups gnomAD compares: East Asian, 0.016%; no homozygotes.

Submission:

Labcorp Genetics (formerly Invitae), Labcorp
Classification: Uncertain significance. Last evaluated: 2022-08-17. Review status: criteria provided, single submitter. Criteria: Invitae Variant Classification Sherloc (09022015). Collection method: clinical testing. Allele origin: germline.
Comment: This sequence change replaces threonine, which is neutral and polar, with threonine, which is neutral and polar, at codon 1080 of the KIF14 protein (Silent). This variant is present in population databases (rs531287031, gnomAD 0.03%). This variant has not been reported in the literature in individuals affected with KIF14-related conditions. Algorithms developed to predict the effect of sequence changes on RNA splicing suggest that this variant is not likely to affect RNA splicing. In summary, the available evidence is currently insufficient to determine the role of this variant in disease. Therefore, it has been classified as a Variant of Uncertain Significance.